The following is an entry in ClinVar:

NM_000059.4(BRCA2):c.2803G>T (p.Asp935Tyr)

Gene: BRCA2 (BRCA2 DNA repair associated; plus strand). Cytogenetic location: 13q13.1.
Variant type: single nucleotide variant.
Coding change: c.2803G>T on transcript NM_000059.4 (MANE Select); coding-DNA position 2803, G replaced by T.
Protein change: p.Asp935Tyr; replaces aspartic acid 935 with tyrosine.
Molecular consequence: missense variant.
Genome position (GRCh38, 1-based): chr13:32,337,158, G>T. VCF-style: chr13-32337158-G-T. GRCh37 (hg19) VCF-style: chr13-32911295-G-T.
Other names: short protein forms D935Y.
Identifiers: ClinVar variation 559998 (VCV000559998.14), dbSNP rs28897716, ClinGen allele CA387773749.

ClinVar aggregate classification (germline): Conflicting classifications of pathogenicity. Review status: criteria provided, conflicting classifications (1 of 4 stars). 4 submissions from 4 submitters: Uncertain significance (2); Likely benign (1). 1 of the submissions does not count toward it. Last evaluated 2023-03-23.

Conditions:
Hereditary cancer-predisposing syndrome. Also called: Hereditary neoplastic syndrome; Neoplastic Syndromes, Hereditary; Tumor predisposition; Hereditary Cancer Syndrome. Identifiers: Orphanet 140162, MedGen C0027672, MeSH D009386, MONDO:0015356.
Ovarian cancer. Also called: OVARIAN CANCER, SOMATIC. Identifiers: Orphanet 213500, MedGen C1140680, MONDO:0008170, OMIM 167000.
Hereditary breast ovarian cancer syndrome. Also called: BRCA1- and BRCA2-Associated Hereditary Breast and Ovarian Cancer; Hereditary breast and ovarian cancer syndrome; Hereditary breast and ovarian cancer; Hereditary breast and ovarian cancer syndrome (HBOC); Hereditary breast and/or ovarian cancer syndrome; Breast and ovarian cancer. Identifiers: Orphanet 145, MedGen C0677776, MeSH D061325, MONDO:0003582. Disease mechanism: loss of function.

Submissions (4):

University of Washington Department of Laboratory Medicine, University of Washington
Classification: Likely benign for Hereditary cancer-predisposing syndrome. Last evaluated: 2023-03-23. Review status: criteria provided, single submitter. Criteria: Dines et al. (Genet Med. 2020). Collection method: curation. Allele origin: germline.
Comment: Missense variant in a coldspot region where missense variants are very unlikely to be pathogenic (PMID:31911673).

BRCA2 exon 11 coldspot. Reclassification based on statistical prior probability.

Ambry Genetics
Classification: Uncertain significance for Hereditary cancer-predisposing syndrome. Last evaluated: 2021-06-30. Review status: criteria provided, single submitter. Criteria: Ambry Variant Classification Scheme 2023. Collection method: clinical testing. Allele origin: germline.
Comment: The p.D935Y variant (also known as c.2803G>T), located in coding exon 10 of the BRCA2 gene, results from a G to T substitution at nucleotide position 2803. The aspartic acid at codon 935 is replaced by tyrosine, an amino acid with highly dissimilar properties. This amino acid position is not well conserved in available vertebrate species. In addition, the in silico prediction for this alteration is inconclusive. Since supporting evidence is limited at this time, the clinical significance of this alteration remains unclear.

Labcorp Genetics (formerly Invitae), Labcorp
Classification: Uncertain significance for Hereditary breast ovarian cancer syndrome. Last evaluated: 2019-10-28. Review status: criteria provided, single submitter. Criteria: Invitae Variant Classification Sherloc (09022015). Collection method: clinical testing. Allele origin: germline.
Comment: This sequence change replaces aspartic acid with tyrosine at codon 935 of the BRCA2 protein (p.Asp935Tyr). The aspartic acid residue is weakly conserved and there is a large physicochemical difference between aspartic acid and tyrosine. This variant is not present in population databases (ExAC no frequency). This variant has not been reported in the literature in individuals with BRCA2-related conditions. ClinVar contains an entry for this variant (Variation ID: 559998). Algorithms developed to predict the effect of missense changes on protein structure and function are either unavailable or do not agree on the potential impact of this missense change (SIFT: "Tolerated"; PolyPhen-2: "Probably Damaging"; Align-GVGD: "Class C0"). In summary, the available evidence is currently insufficient to determine the role of this variant in disease. Therefore, it has been classified as a Variant of Uncertain Significance.

3DMed Clinical Laboratory Inc
Classification: Uncertain significance for Ovarian cancer. Last evaluated: 2017-11-11. Review status: no assertion criteria provided. Criteria: ACMG Guidelines, 2015. Collection method: clinical testing. Allele origin: germline. Affected: yes. Not counted in ClinVar's aggregate classification.